The following is an entry in ClinVar:

ClinVar aggregate classification (germline): Uncertain significance (1 of 4 stars; one submission).

Submission:

CeGaT Center for Human Genetics Tuebingen
Classification: Uncertain significance. Last evaluated: 2026-05-01. Review status: criteria provided, single submitter. Criteria: CeGaT Center For Human Genetics Tuebingen Variant Classification Criteria Version 2. Collection method: clinical testing. Allele origin: germline. Affected: yes. Observed: 1 variant allele.
Comment: GRIN2D: PM2, PP2

NM_000836.4(GRIN2D):c.1587C>A (p.Phe529Leu)

Gene: GRIN2D (glutamate ionotropic receptor NMDA type subunit 2D; plus strand). Cytogenetic location: 19q13.33.
Variant type: single nucleotide variant.
Coding change: c.1587C>A on transcript NM_000836.4 (MANE Select); coding-DNA position 1587, C replaced by A.
Protein change: p.Phe529Leu; replaces phenylalanine 529 with leucine.
Molecular consequence: missense variant.
Genome position (GRCh38, 1-based): chr19:48,416,007, C>A. VCF-style: chr19-48416007-C-A. GRCh37 (hg19) VCF-style: chr19-48919264-C-A.
Other names: short protein forms F529L.
Identifiers: ClinVar variation 4873376 (VCV004873376.2).